The following is an entry in ClinVar:

NM_002858.4(ABCD3):c.1903-4A>G

Gene: ABCD3 (ATP binding cassette subfamily D member 3; plus strand). Cytogenetic location: 1p21.3.
Variant type: single nucleotide variant.
Coding change: c.1903-4A>G on transcript NM_002858.4 (MANE Select); 4 bases into the intron before coding-DNA position 1903, A replaced by G.
Molecular consequence: intron variant.
Genome position (GRCh38, 1-based): chr1:94,517,048, A>G. VCF-style: chr1-94517048-A-G. GRCh37 (hg19) VCF-style: chr1-94982604-A-G.
Identifiers: ClinVar variation 3049372 (VCV003049372.2), dbSNP rs1226352263, ClinGen allele CA740534470.

ClinVar aggregate classification (germline): Likely benign (0 of 4 stars; one submission).

Conditions:
ABCD3-related disorder. Also called: ABCD3-related condition.

Allele frequency attached by ClinVar (database versions not stated): gnomAD 0.00001; TOPMed 0.00001.
gnomAD v4.1: 11 of 1,605,506 alleles (0.00069%); highest among the groups gnomAD compares: African/African-American, 0.0027%; no homozygotes.

Submission:

PreventionGenetics, part of Exact Sciences
Classification: Likely benign for ABCD3-related condition. Last evaluated: 2019-07-18. Review status: no assertion criteria provided. Collection method: clinical testing. Allele origin: germline.
Comment: This variant is classified as likely benign based on ACMG/AMP sequence variant interpretation guidelines (Richards et al. 2015 PMID: 25741868, with internal and published modifications).